The following continues an entry in ClinVar:

NM_001943.5(DSG2):c.1003A>G (p.Thr335Ala)

ClinVar aggregate classification (germline): Conflicting classifications of pathogenicity. Pathogenic (1); Uncertain significance (14); Likely benign (6).

Submissions 9 to 20 of 22:

ARUP Laboratories, Molecular Genetics and Genomics, ARUP Laboratories
Classification: Uncertain significance. Last evaluated: 2024-08-09. Review status: criteria provided, single submitter. Criteria: ARUP Molecular Germline Variant Investigation Process 2024. Collection method: clinical testing. Allele origin: germline.
Comment: The DSG2 c.1003A>G; p.Thr335Ala variant (rs191564916, ClinVar Variation ID: 44278) is reported in the literature in homozygous and heterozygous individuals and families affected with arrhythmogenic cardiomyopathy (Bueno-Beti 2022, Christensen 2022, Costa 2021, den Haan 2009, Hermida 2019, Mast 2019, Qadri 2017, Rasmussen 2013, Robles-Mezcua 2023). Additionally, this variant is found in individuals affected with dilated cardiomyopathy, sudden cardiac death, and other cardiomyopathies (Ammirati 2022, Burstein 2021, Christensen 2010, Garcia-Pavia 2011). However, this variant has also been observed in unaffected heterozygous carriers (Garcia-Pavia 2011, Qadri 2017, Rasmussen 2013). This variant is found in the general population with an overall allele frequency of 0.05% (146/280,830 alleles) in the Genome Aggregation Database (v2.1.1). Computational analyses are uncertain whether this variant is neutral or deleterious (REVEL: 0.206). Immuno-histochemical staining of myocardial, epidermal, or buccal tissues demonstrate no significant changes in abundance or localization of the variant DSG2 protein (Rasmussen 2013, Bueno-Beti 2022). Due to conflicting information, the clinical significance of this variant is uncertain at this time. References: Ammirati E et al. Acute Myocarditis Associated With Desmosomal Gene Variants. JACC Heart Fail. 2022 Oct;10(10):714-727. PMID: 36175056. Bueno-Beti C et al. Analysis of buccal mucosa as a prognostic tool in children with arrhythmogenic cardiomyopathy. Prog Pediatr Cardiol. 2022 Mar;64:None. PMID: 35300203. Burstein DS et al. Genetic variant burden and adverse outcomes in pediatric cardiomyopathy. Pediatr Res. 2021 May;89(6):1470-1476. PMID: 32746448. Christensen et al. Wide spectrum of desmosomal mutations in Danish patients with arrhythmogenic right ventricular cardiomyopathy. J Med Genet. 2010 Nov;47(11):736-44. PMID: 20864495. Christensen AH et al. Genotype-phenotype correlation in arrhythmogenic right ventricular cardiomyopathy-risk of arrhythmias and heart failure. J Med Genet. 2022 Sep;59(9):858-864. PMID: 34400560. Costa S et al. Impact of Genetic Variant Reassessment on the Diagnosis of Arrhythmogenic Right Ventricular Cardiomyopathy Based on the 2010 Task Force Criteria. Circ Genom Precis Med. 2021 Feb;14(1):e003047. PMID: 33232181. den Haan et al. Comprehensive desmosome mutation analysis in north americans with arrhythmogenic right ventricular dysplasia/cardiomyopathy. Circ Cardiovasc Genet. 2009 Oct;2(5):428-35. PMID: 20031617. Garcia-Pavia et al. Desmosomal protein gene mutations in patients with idiopathic dilated cardiomyopathy undergoing cardiac transplantation: a clinicopathological study. Heart. 2011 Nov;97(21):1744-52. PMID: 21859740. Hermida A et al. High risk of heart failure associated with desmoglein-2 mutations compared to plakophilin-2 mutations in arrhythmogenic right ventricular cardiomyopathy/dysplasia. Eur J Heart Fail. 2019 Jun;21(6):792-800. PMID: 30790397. Mast TP et al. Prolonged Electromechanical Interval Unmasks Arrhythmogenic Right Ventricular Dysplasia/Cardiomyopathy in the Subclinical Stage. J Cardiovasc Electrophysiol. 2016 Mar;27(3):303-14. PMID: 26585103. Qadri S et al. Case reports of two pedigrees with recessive arrhythmogenic right ventricular cardiomyopathy associated with homozygous Thr335Ala variant in DSG2. BMC Med Genet. 2017 Aug 17;18(1):86. PMID: 28818065. Rasmussen et al. Mutated desmoglein-2 proteins are incorporated into desmosomes and exhibit dominant-negative effects in arrhythmogenic right ventricular cardiomyopathy. Hum Mutat. 2013 May;34(5):697-705. PMID: 23381804. Robles-Mezcua A et al. The Novel Variant NP_00454563.2 (p.Glu259Glyfs*77) in Gene PKP2 Associated with Arrhythmogenic Cardiomyopathy in 8 Families from Malaga, Spain. Genes (Basel). 2023 Jul 19;14(7):1468. PMID: 37510372.

Victorian Clinical Genetics Services, Murdoch Childrens Research Institute
Classification: Uncertain significance for Arrhythmogenic right ventricular dysplasia 10. Last evaluated: 2023-07-17. Review status: criteria provided, single submitter. Criteria: ACMG Guidelines, 2015. Collection method: clinical testing. Allele origin: germline. Inheritance: Autosomal dominant inheritance. Affected: yes.
Comment: Based on the classification scheme VCGS_Germline_v1.3.4, this variant is classified as VUS-3C. Following criteria are met: 0103 - Loss of function and gain of function are reported mechanisms of disease in this gene and are associated with arrhythmogenic right ventricular dysplasia 10 (ARVD; MIM#610193) and dilated cardiomyopathy 1BB (DCM; MIM#612877) (ClinVar, PMID: 23071725). (I) 0108 - This gene is associated with both recessive and dominant disease. It is commonly associated to dominant inheritance, however recessive inheritance has been reported in severe DCM patients (OMIM). (I) 0112 - The ARVD condition associated with this gene has incomplete penetrance (OMIM). (I) 0200 - Variant is predicted to result in a missense amino acid change from threonine to alanine. (I) 0251 - This variant is heterozygous. (I) 0304 - Variant is present in gnomAD <0.01 (v2+v3) (218 heterozygotes, 0 homozygotes). (SP) 0503 - Missense variant consistently predicted to be tolerated by multiple in silico tools or not conserved in placental mammals with a minor amino acid change. (SB) 0600 - Variant is located in the annotated cadherin domain (DECIPHER). (I) 0705 - No comparable missense variants have previous evidence for pathogenicity. (I) 0808 - Previous reports of pathogenicity for this variant are conflicting. This variant has been reported in homozygous and heterozygous individuals with and without ARVD. It has also been reported as likely benign and VUS (ClinVar, LOVD, VCGS Cardiac db, PMID: 28818065, PMID: 33652588, PMID: 23381804, PMID: 35300203). (I) 0906 - Segregation evidence for this variant is inconclusive. This variant was found not to segregate in two families (PMID: 26230511, PMID: 34317382). (I) 1007 - No published functional evidence has been identified for this variant. (I) 1208 - Inheritance information for this variant is not currently available in this individual. (I) Legend: (SP) - Supporting pathogenic, (I) - Information, (SB) - Supporting benign

Department of Pathology and Laboratory Medicine, Sinai Health System
Classification: Uncertain significance for Arrhythmogenic right ventricular dysplasia 10; Dilated cardiomyopathy 1BB. Last evaluated: 2023-04-19. Review status: criteria provided, single submitter. Criteria: ACMG Guidelines, 2015. Collection method: research. Allele origin: germline.

CHEO Genetics Diagnostic Laboratory, Children's Hospital of Eastern Ontario
Classification: Uncertain significance for Cardiomyopathy. Last evaluated: 2023-03-15. Review status: criteria provided, single submitter. Criteria: ACMG Guidelines, 2015. Collection method: clinical testing. Allele origin: germline.

Laboratory for Molecular Medicine, Mass General Brigham Personalized Medicine
Classification: Likely benign. Last evaluated: 2022-09-14. Review status: criteria provided, single submitter. Criteria: ACMG Guidelines, 2015. Collection method: clinical testing. Allele origin: germline.
Comment: The p.Thr335Ala variant in DSG2 has been classified as likely benign because it has been identified in 0.09% (23/25034) of Finnish and 0.07% (92/128596) of European chromosomes by gnomAD. This frequency is larger than maximal expected allele frequency for a pathogenic variant in DSG2 causing Arrhythmogenic Right Ventricular Cardiomyopathy (ARVC). Additionally, computational prediction tools and conservation analysis suggest that the p.Thr335Ala variant may not impact the protein, ACMG/AMP Criteria applied: BS1, BP4.

Ambry Genetics
Classification: Likely benign for Cardiovascular phenotype. Last evaluated: 2022-05-10. Review status: criteria provided, single submitter. Criteria: Ambry Variant Classification Scheme 2023. Collection method: clinical testing. Allele origin: germline.

Color Diagnostics, LLC DBA Color Health
Classification: Likely benign for Cardiomyopathy. Last evaluated: 2019-09-24. Review status: criteria provided, single submitter. Criteria: ACMG Guidelines, 2015. Collection method: clinical testing. Allele origin: germline.

Centre for Mendelian Genomics, University Medical Centre Ljubljana
Classification: Uncertain significance for Arrhythmogenic right ventricular dysplasia 10. Last evaluated: 2019-09-07. Review status: criteria provided, single submitter. Criteria: ACMG Guidelines, 2015. Collection method: clinical testing. Allele origin: unknown. Affected: yes.
Comment: This variant was classified as: Uncertain significance. The available evidence on this variant's pathogenicity is insufficient or conflicting. The following ACMG criteria were applied in classifying this variant: PP3,PP5,BP5.

Illumina Laboratory Services, Illumina
Classification: Uncertain significance for Arrhythmogenic right ventricular dysplasia 10. Last evaluated: 2018-08-06. Review status: criteria provided, single submitter. Criteria: ICSL Variant Classification Criteria 13 December 2019. Collection method: clinical testing. Allele origin: germline.
Comment: This variant was observed as part of a predisposition screen in an ostensibly healthy population. A literature search was performed for the gene, cDNA change, and amino acid change (where applicable). Publications were found based on this search. However, the evidence from the literature, in combination with allele frequency data from public databases where available, was not sufficient to rule this variant in or out of causing disease. Therefore, this variant is classified as a variant of unknown significance.

Center for Advanced Laboratory Medicine, UC San Diego Health, University of California San Diego
Classification: Likely benign for Cardiomyopathy. Last evaluated: 2018-03-22. Review status: criteria provided, single submitter. Criteria: ACMG Guidelines, 2015. Collection method: clinical testing. Allele origin: germline. Affected: yes. Observed: 1 variant allele.

Eurofins Ntd Llc (ga)
Classification: Uncertain significance. Last evaluated: 2014-11-12. Review status: criteria provided, single submitter. Criteria: EGL Classification Definitions 2015. Collection method: clinical testing. Allele origin: germline. Observed: 1 variant allele, 1 heterozygote.

Biesecker Lab/Clinical Genomics Section, National Institutes of Health
Classification: Likely benign for Arrhythmogenic right ventricular dysplasia/cardiomyopathy. Last evaluated: 2013-06-24. Review status: criteria provided, single submitter. Criteria: Ng et al. (Circ Cardiovasc Genet. 2013). Collection method: research. Allele origin: unknown. Observed: 3 variant alleles. Study: ClinSeq.
Comment: The study set was not selected for affection status in relation to any cancer. HGMD phenotype assertion is uncertain. Pathogenicity categories were based on literature curation. See Pubmed ID:23861362 for details.

Medical sequencing